The following is an entry in ClinVar:

NM_206933.4(USH2A):c.9072T>C (p.Leu3024=)

Gene: USH2A (usherin; minus strand). Cytogenetic location: 1q41.
Variant type: single nucleotide variant.
Coding change: c.9072T>C on transcript NM_206933.4 (MANE Select); coding-DNA position 9072, T replaced by C.
Protein change: p.Leu3024=; no amino-acid change (leucine 3024 retained).
Molecular consequence: synonymous variant.
Genome position (GRCh38, 1-based): chr1:215,844,480, A>G on the plus strand (T>C on the coding strand, the complement: USH2A is on the minus strand). VCF-style: chr1-215844480-A-G. GRCh37 (hg19) VCF-style: chr1-216017822-A-G.
Identifiers: ClinVar variation 4989826 (VCV004989826.1).

ClinVar aggregate classification (germline): Likely benign (1 of 4 stars; one submission).

Conditions:
USH2A-related disorder. Also called: USH2A-related disorders; USH2A-related condition. Identifiers: MedGen CN239332.

Submission:

PreventionGenetics, part of Exact Sciences
Classification: Likely benign for USH2A-related condition. Last evaluated: 2025-01-09. Review status: criteria provided, single submitter. Criteria: ACMG Guidelines, 2015. Collection method: clinical testing. Allele origin: germline.
Comment: This variant is classified as likely benign based on ACMG/AMP sequence variant interpretation guidelines (Richards et al. 2015 PMID: 25741868, with internal and published modifications).